The following is an entry in ClinVar:

ClinVar aggregate classification (germline): Pathogenic (1 of 4 stars; one submission).

Conditions:
Glycogen storage disease, type V (GSD5). Also called: MCARDLE DISEASE; MUSCLE GLYCOGEN PHOSPHORYLASE DEFICIENCY; MYOPHOSPHORYLASE DEFICIENCY; PYGM DEFICIENCY; McArdle type glycogen storage disease. Identifiers: Orphanet 368, MedGen C0017924, MONDO:0009293, OMIM 232600.

Submission:

Myriad Genetics, Inc.
Classification: Pathogenic for Glycogen storage disease, type V. Last evaluated: 2025-03-07. Review status: criteria provided, single submitter. Criteria: Myriad Autosomal Dominant, Autosomal Recessive and X-Linked Classification Criteria (2023). Collection method: clinical testing. Allele origin: unknown.
Comment: NM_005609.2(PYGM):c.1360_1363dupAACG(G455Efs*21) is expected to be pathogenic in the context of glycogen storage disease, PYGM-related. This variant is predicted to lead to an abnormal or absent protein product due to the creation of a premature termination codon in PYGM, a gene where loss-of-function variants are known to be pathogenic. Please note: this variant was assessed in the context of healthy population screening.

NM_005609.4(PYGM):c.1360_1363dup (p.Gly455fs)

Gene: PYGM (glycogen phosphorylase, muscle associated; minus strand). Cytogenetic location: 11q13.1.
Variant type: Duplication.
Coding change: c.1360_1363dup on transcript NM_005609.4 (MANE Select); coding-DNA positions 1360 to 1363, 4 bases duplicated (AACG; older notation c.1360_1363dupAACG).
Protein change: p.Gly455fs; shifts the reading frame from glycine 455.
Molecular consequence: frameshift variant.
Genome position (GRCh38, 1-based): chr11:64,753,559-64,753,562, CGTT duplicated on the plus strand (AACG on the coding strand, the reverse complement: PYGM is on the minus strand). VCF-style (leftmost placement, unchanged base first): chr11-64753558-C-CCGTT. GRCh37 (hg19) VCF-style: chr11-64521030-C-CCGTT.
Other names: c.1096_1099dup, p.Gly367fs (NM_001164716.1); short protein forms G367fs, G455fs.
Identifiers: ClinVar variation 5014185 (VCV005014185.1).